The following is an entry in ClinVar:

NM_144997.7(FLCN):c.129G>C (p.Glu43Asp)

Gene: FLCN (folliculin; minus strand). Cytogenetic location: 17p11.2.
Variant type: single nucleotide variant.
Coding change: c.129G>C on transcript NM_144997.7 (MANE Select); coding-DNA position 129, G replaced by C.
Protein change: p.Glu43Asp; replaces glutamic acid 43 with aspartic acid.
Molecular consequence: missense variant.
Genome position (GRCh38, 1-based): chr17:17,228,009, C>G on the plus strand (G>C on the coding strand, the complement: FLCN is on the minus strand). VCF-style: chr17-17228009-C-G. GRCh37 (hg19) VCF-style: chr17-17131323-C-G.
Other names: c.129G>C, p.Glu43Asp (NM_001353229.2, NM_001353230.2, NM_001353231.2 and 1 more transcripts); short protein forms E43D.
Identifiers: ClinVar variation 1487508 (VCV001487508.9), dbSNP rs760808366, ClinGen allele CA8416513.
Genomic context (GRCh38, chr17:17,228,009, plus strand): 5'-GGGGCTGTGCGCACGCATCCGACTGTTCATCTGAATGCCACCTTCCTCTTCTTCCGCCTG[C>G]TCACCCTGGCCAGGACTGTCCTCATTCCCATCCCCTTGAGGAAGTGGGGCGTGCAGCACC-3'
Protein context (NP_659434.2, residues 33-53): DGNEDSPGQG[Glu43Asp]QAEEEEGGIQ

ClinVar aggregate classification (germline): Conflicting classifications of pathogenicity. Review status: criteria provided, conflicting classifications (1 of 4 stars). 2 submissions from 2 submitters: Uncertain significance (1); Likely benign (1). Last evaluated 2025-11-11.

Conditions:
Birt-Hogg-Dube syndrome. Also called: Birt Hogg Dubé syndrome. Identifiers: Orphanet 122, MedGen C0346010, MONDO:0800444.
Hereditary cancer-predisposing syndrome. Also called: Neoplastic Syndromes, Hereditary; Tumor predisposition; Hereditary neoplastic syndrome; Hereditary Cancer Syndrome. Identifiers: Orphanet 140162, MedGen C0027672, MeSH D009386, MONDO:0015356.

Allele frequency attached by ClinVar (database versions not stated): gnomAD exomes below 0.00001 and 0.00001; TOPMed below 0.00001; ExAC 0.00001; gnomAD 0.00001.

Submissions (2):

Labcorp Genetics (formerly Invitae), Labcorp
Classification: Uncertain significance for Birt-Hogg-Dube syndrome. Last evaluated: 2025-11-11. Review status: criteria provided, single submitter. Criteria: Invitae Variant Classification Sherloc (09022015). Collection method: clinical testing. Allele origin: germline.
Comment: This sequence change replaces glutamic acid, which is acidic and polar, with aspartic acid, which is acidic and polar, at codon 43 of the FLCN protein (p.Glu43Asp). This variant is present in population databases (rs760808366, gnomAD 0.007%). This variant has not been reported in the literature in individuals affected with FLCN-related conditions. ClinVar contains an entry for this variant (Variation ID: 1487508). An algorithm developed to predict the effect of missense changes on protein structure and function (PolyPhen-2) suggests that this variant is likely to be tolerated. In summary, the available evidence is currently insufficient to determine the role of this variant in disease. Therefore, it has been classified as a Variant of Uncertain Significance.

Ambry Genetics
Classification: Likely benign for Hereditary cancer-predisposing syndrome. Last evaluated: 2024-04-11. Review status: criteria provided, single submitter. Criteria: Ambry Variant Classification Scheme 2023. Collection method: clinical testing. Allele origin: germline.